The following is an entry in ClinVar:

NM_001148.6(ANK2):c.9829T>C (p.Ser3277Pro)

Gene: ANK2 (ankyrin 2; plus strand). Cytogenetic location: 4q26.
Variant type: single nucleotide variant.
Coding change: c.9829T>C on transcript NM_001148.6 (MANE Select); coding-DNA position 9829, T replaced by C.
Protein change: p.Ser3277Pro; replaces serine 3277 with proline.
Molecular consequence: missense variant. On other transcripts: intron variant (68).
Genome position (GRCh38, 1-based): chr4:113,358,447, T>C. VCF-style: chr4-113358447-T-C. GRCh37 (hg19) VCF-style: chr4-114279603-T-C.
Other names: c.9595T>C, p.Ser3199Pro (NM_001386142.1); c.6229T>C, p.Ser2077Pro (NM_001386166.1); c.9970T>C, p.Ser3324Pro (NM_001386174.1); c.9946T>C, p.Ser3316Pro (NM_001386175.1); c.4412-2376T>C (NM_001386186.2, NM_001386148.2); c.4214-2376T>C (NM_001354269.3); c.4292-2376T>C (NM_001386187.2); c.4253-2376T>C (NM_001386147.1); and 35 more; short protein forms S2077P, S3316P, S3199P, S3324P, S3277P.
Identifiers: ClinVar variation 1412887 (VCV001412887.11), dbSNP rs753345794, ClinGen allele CA3051988.
Genomic context (GRCh38, chr4:113,358,447, plus strand): 5'-GATTTTTCCACACTCACCAGGTCTGTTTATTCAGATAGGGGTGATGATTCTCCCGATTCT[T>C]CCCCAGAAGAACAGAAATCAGTAATCGAGATTCCTACTGCACCCATGGAGAATGTGCCTT-3'
Protein context (NP_001139.3, residues 3267-3287): SDRGDDSPDS[Ser3277Pro]PEEQKSVIEI

ClinVar aggregate classification (germline): Uncertain significance. Review status: criteria provided, multiple submitters, no conflicts (2 of 4 stars). 3 submissions from 3 submitters: Uncertain significance (3). Last evaluated 2025-09-10.

Conditions:
Cardiovascular phenotype. Identifiers: MedGen CN230736.
Long QT syndrome (LQTS). Identifiers: MedGen C0023976, MeSH D008133, MONDO:0002442. Disease mechanism: loss of function. Inheritance: Various modes of inheritance.

Allele frequency attached by ClinVar (database versions not stated): ExAC 0.00001; gnomAD 0.00001; gnomAD exomes 0.00001 and 0.00002; TOPMed 0.00002.
gnomAD v4.1: 36 of 1,613,952 alleles (0.0022%); highest among the groups gnomAD compares: Non-Finnish European, 0.0029%; no homozygotes.

Submissions (3):

Labcorp Genetics (formerly Invitae), Labcorp
Classification: Uncertain significance for Long QT syndrome. Last evaluated: 2025-09-10. Review status: criteria provided, single submitter. Criteria: Invitae Variant Classification Sherloc (09022015). Collection method: clinical testing. Allele origin: germline.
Comment: This sequence change replaces serine, which is neutral and polar, with proline, which is neutral and non-polar, at codon 3277 of the ANK2 protein (p.Ser3277Pro). This variant is present in population databases (rs753345794, gnomAD 0.003%). This missense change has been observed in individual(s) with clinical features of ANK2-related conditions (PMID: 35885997). ClinVar contains an entry for this variant (Variation ID: 1412887). An algorithm developed to predict the effect of missense changes on protein structure and function (PolyPhen-2) suggests that this variant is likely to be disruptive. In summary, the available evidence is currently insufficient to determine the role of this variant in disease. Therefore, it has been classified as a Variant of Uncertain Significance.

Ambry Genetics
Classification: Uncertain significance for Cardiovascular phenotype. Last evaluated: 2023-12-26. Review status: criteria provided, single submitter. Criteria: Ambry Variant Classification Scheme 2023. Collection method: clinical testing. Allele origin: germline.

AiLife Diagnostics
Classification: Uncertain significance. Last evaluated: 2022-03-01. Review status: criteria provided, single submitter. Criteria: ACMG Guidelines, 2015. Collection method: clinical testing. Allele origin: germline. Affected: yes. Observed: 1 variant allele.

Literature cited by the submitters: PubMed 35885997 (cited by Labcorp Genetics (formerly Invitae), Labcorp).